The following is an entry in ClinVar:

NM_000245.4(MET):c.3858C>T (p.Asp1286=)

Gene: MET (MET proto-oncogene, receptor tyrosine kinase; plus strand). Cytogenetic location: 7q31.2.
Variant type: single nucleotide variant.
Coding change: c.3858C>T on transcript NM_000245.4 (MANE Select); coding-DNA position 3858, C replaced by T.
Protein change: p.Asp1286=; no amino-acid change (aspartic acid 1286 retained).
Molecular consequence: synonymous variant.
Genome position (GRCh38, 1-based): chr7:116,795,714, C>T. VCF-style: chr7-116795714-C-T. GRCh37 (hg19) VCF-style: chr7-116435768-C-T.
Other names: p.Asp1304=; c.3912C>T, p.Asp1304= (NM_001127500.3); c.2568C>T, p.Asp856= (NM_001324402.2); c.3912C>T (NM_001127500.2); c.3912C>T, p.(=) (LRG_662t1).
Identifiers: ClinVar variation 93574 (VCV000093574.40), dbSNP rs41736, ClinGen allele CA147089.
Genomic context (GRCh38, chr7:116,795,714, plus strand): 5'-GTGGTCCTTTGGCGTGCTCCTCTGGGAGCTGATGACAAGAGGAGCCCCACCTTATCCTGA[C>T]GTAAACACCTTTGATATAACTGTTTACTTGTTGCAAGGGAGAAGACTCCTACAACCCGAA-3'
Protein context (NP_000236.2, residues 1276-1296): LMTRGAPPYP[Asp1286=]VNTFDITVYL

ClinVar aggregate classification (germline): Benign. Review status: criteria provided, multiple submitters, no conflicts (2 of 4 stars). 19 submissions from 19 submitters: Benign (15). 4 of the submissions do not count toward it. Last evaluated 2026-02-04.

Conditions:
Renal cell carcinoma. Identifiers: Orphanet 217071, MedGen C0007134, MeSH D002292, MONDO:0005086, HP:0005584.
Hereditary cancer-predisposing syndrome. Also called: Neoplastic Syndromes, Hereditary; Hereditary Cancer Syndrome; Tumor predisposition; Hereditary neoplastic syndrome. Identifiers: Orphanet 140162, MedGen C0027672, MeSH D009386, MONDO:0015356.
Papillary renal cell carcinoma type 1 (RCCP1). Also called: RENAL CELL CARCINOMA, PAPILLARY, 1, SOMATIC; Renal adenocarcinoma; Renal cell carcinoma 1; Renal cell carcinoma, somatic. Identifiers: Orphanet 47044, MedGen C1336839, OMIM 605074, HP:0011797.
Autosomal recessive nonsyndromic hearing loss 97. Also called: Deafness, autosomal recessive 97. Identifiers: Orphanet 90636, MedGen C4084709, MONDO:0014739, OMIM 616705.

Allele frequency attached by ClinVar (database versions not stated): ESP Exome Variant Server 0.32350; gnomAD 0.33828 and 0.34772; TOPMed 0.34299; 1000 Genomes Project 30x 0.34806; 1000 Genomes Project 0.35224; ExAC 0.42284.
gnomAD v4.1: 697,641 of 1,613,762 alleles (43%); highest among the groups gnomAD compares: Admixed American, 49%; 156,030 homozygotes.

Submissions (19):

Labcorp Genetics (formerly Invitae), Labcorp
Classification: Benign for Renal cell carcinoma. Last evaluated: 2026-02-04. Review status: criteria provided, single submitter. Criteria: Invitae Variant Classification Sherloc (09022015). Collection method: clinical testing. Allele origin: germline.

Hereditary Cancer Laboratory, Hospital Universitario 12 de Octubre
Classification: Benign for Hereditary cancer-predisposing syndrome. Last evaluated: 2025-01-08. Review status: criteria provided, single submitter. Criteria: ACMG Guidelines, 2015. Collection method: clinical testing. Allele origin: germline.
Comment: BA1+BP6+BP7

Genomic Medicine Center of Excellence, King Faisal Specialist Hospital and Research Centre
Classification: Benign for Papillary renal cell carcinoma type 1. Last evaluated: 2024-12-19. Review status: criteria provided, single submitter. Criteria: ACMG Guidelines, 2015. Collection method: clinical testing. Allele origin: germline.

Blueprint Genetics
Classification: Benign. Last evaluated: 2024-11-27. Review status: criteria provided, single submitter. Criteria: ACMG Guidelines, 2015. Collection method: clinical testing. Allele origin: germline.

Myriad Genetics, Inc.
Classification: Benign for Papillary renal cell carcinoma type 1. Last evaluated: 2024-11-14. Review status: criteria provided, single submitter. Criteria: Myriad Autosomal Dominant, Autosomal Recessive and X-Linked Classification Criteria (2023). Collection method: clinical testing. Allele origin: unknown.
Comment: This variant is considered benign. This variant is a silent/synonymous amino acid change and it is not expected to impact splicing.

KCCC/NGS Laboratory, Kuwait Cancer Control Center
Classification: Benign for Papillary renal cell carcinoma type 1. Last evaluated: 2023-07-07. Review status: criteria provided, single submitter. Criteria: ACMG Guidelines, 2015. Collection method: clinical testing. Allele origin: germline. Affected: yes.

Mayo Clinic Laboratories, Mayo Clinic
Classification: Benign. Last evaluated: 2022-03-10. Review status: criteria provided, single submitter. Criteria: ACMG Guidelines, 2015. Collection method: clinical testing. Allele origin: germline. Observed: 309 variant alleles.

Genome-Nilou Lab
Classification: Benign for Autosomal recessive nonsyndromic hearing loss 97. Last evaluated: 2021-09-05. Review status: criteria provided, single submitter. Criteria: ACMG Guidelines, 2015. Collection method: clinical testing. Allele origin: germline. Affected: no.

Illumina Laboratory Services, Illumina
Classification: Benign for Papillary renal cell carcinoma type 1. Last evaluated: 2018-01-13. Review status: criteria provided, single submitter. Criteria: ICSL Variant Classification Criteria 13 December 2019. Collection method: clinical testing. Allele origin: germline.
Comment: This variant was observed in the ICSL laboratory as part of a predisposition screen in an ostensibly healthy population. It had not been previously curated by ICSL or reported in the Human Gene Mutation Database (HGMD: prior to June 1st, 2018), and was therefore a candidate for classification through an automated scoring system. Utilizing variant allele frequency, disease prevalence and penetrance estimates, and inheritance mode, an automated score was calculated to assess if this variant is too frequent to cause the disease. Based on the score and internal cut-off values, a variant classified as benign is not then subjected to further curation. The score for this variant resulted in a classification of benign for this disease.

Women's Health and Genetics/Laboratory Corporation of America, LabCorp
Classification: Benign. Last evaluated: 2016-08-18. Review status: criteria provided, single submitter. Criteria: LabCorp Variant Classification Summary - May 2015. Collection method: clinical testing. Allele origin: germline.
Comment: Variant summary: The MET c.3912C>T (p.Asp1304Asp) variant involves the alteration of a non-conserved nucleotide, resulting in a synonymous change. One in silico tool predicts a polymorphism outcome for this variant. 4/5 splice prediction tools predict no significant impact on normal splicing. ESE finder predicts that this variant may affect ESE sites. However, these predictions have yet to be confirmed by functional studies. This variant was found in 51052/120736 control chromosomes (11511 homozygotes) at a frequency of 0.4228399, which is approximately 281893 times the estimated maximal expected allele frequency of a pathogenic MET variant (0.0000015), suggesting this variant is likely a benign polymorphism. In addition, multiple clinical diagnostic laboratories/reputable databases classified this variant as benign. Taken together, this variant is classified as benign.

GeneDx
Classification: Benign. Last evaluated: 2016-01-19. Review status: criteria provided, single submitter. Criteria: GeneDx Variant Classification (06012015). Collection method: clinical testing. Allele origin: germline. Affected: yes.
Comment: This variant is considered likely benign or benign based on one or more of the following criteria: it is a conservative change, it occurs at a poorly conserved position in the protein, it is predicted to be benign by multiple in silico algorithms, and/or has population frequency not consistent with disease.

Ambry Genetics
Classification: Benign for Hereditary cancer-predisposing syndrome. Last evaluated: 2014-11-19. Review status: criteria provided, single submitter. Criteria: Ambry Variant Classification Scheme 2023. Collection method: clinical testing. Allele origin: germline.

Eurofins Ntd Llc (ga)
Classification: Benign. Last evaluated: 2014-07-30. Review status: criteria provided, single submitter. Criteria: EGL Classification Definitions 2015. Collection method: clinical testing. Allele origin: germline. Observed: 64 variant alleles, 33 heterozygotes, 31 homozygotes.

Breakthrough Genomics
Classification: Benign. Review status: criteria provided, single submitter. Criteria: ACMG Guidelines, 2015. Collection method: not provided. Allele origin: germline. Inheritance: Autosomal recessive inheritance. Affected: yes.

PreventionGenetics, part of Exact Sciences
Classification: Benign. Review status: criteria provided, single submitter. Criteria: ACMG Guidelines, 2015. Collection method: clinical testing. Allele origin: germline.

Clinical Genetics, Academic Medical Center
Classification: Benign. Review status: no assertion criteria provided. Collection method: clinical testing. Allele origin: germline. Affected: yes. Study: VKGL Data-share Consensus. Not counted in ClinVar's aggregate classification.

Diagnostic Laboratory, Department of Genetics, University Medical Center Groningen
Classification: Benign. Review status: no assertion criteria provided. Collection method: clinical testing. Allele origin: germline. Affected: yes. Study: VKGL Data-share Consensus. Not counted in ClinVar's aggregate classification.

Genome Diagnostics Laboratory, University Medical Center Utrecht
Classification: Benign. Review status: no assertion criteria provided. Collection method: clinical testing. Allele origin: germline. Affected: yes. Study: VKGL Data-share Consensus. Not counted in ClinVar's aggregate classification.

Joint Genome Diagnostic Labs from Nijmegen and Maastricht, Radboudumc and MUMC+
Classification: Benign. Review status: no assertion criteria provided. Collection method: clinical testing. Allele origin: germline. Affected: yes. Study: VKGL Data-share Consensus. Not counted in ClinVar's aggregate classification.